The following is an entry in ClinVar:

NM_001195518.2(MICU1):c.653-8C>T

Gene: MICU1 (mitochondrial calcium uptake 1; minus strand). Cytogenetic location: 10q22.1.
Variant type: single nucleotide variant.
Coding change: c.653-8C>T on transcript NM_001195518.2 (MANE Select); 8 bases into the intron before coding-DNA position 653, C replaced by T.
Molecular consequence: intron variant.
Genome position (GRCh38, 1-based): chr10:72,477,264, G>A on the plus strand (C>T on the coding strand, the complement: MICU1 is on the minus strand). VCF-style: chr10-72477264-G-A. GRCh37 (hg19) VCF-style: chr10-74237022-G-A.
Other names: c.653-8C>T (NM_001195518.1); c.659-8C>T (NM_006077.4); c.671-8C>T (NM_001363513.2); c.59-8C>T (NM_001195519.2).
Identifiers: ClinVar variation 1668411 (VCV001668411.12), dbSNP rs544000785, ClinGen allele CA5550173.

ClinVar aggregate classification (germline): Benign/Likely benign. Review status: criteria provided, multiple submitters, no conflicts (2 of 4 stars). 4 submissions from 4 submitters: Benign (2); Likely benign (1). 1 of the submissions does not count toward it. Last evaluated 2026-01-17.

Conditions:
MICU1-related disorder. Also called: MICU1-related condition.

Allele frequency attached by ClinVar (database versions not stated): TOPMed 0.00002; gnomAD 0.00003 and 0.00011; gnomAD exomes 0.00020 and 0.00052; 1000 Genomes Project 30x 0.00031; 1000 Genomes Project 0.00040; ExAC 0.00167.
gnomAD v4.1: 292 of 1,529,206 alleles (0.019%); highest among the groups gnomAD compares: South Asian, 0.31%; 2 homozygotes.

Submissions (4):

Labcorp Genetics (formerly Invitae), Labcorp
Classification: Benign. Last evaluated: 2026-01-17. Review status: criteria provided, single submitter. Criteria: Invitae Variant Classification Sherloc (09022015). Collection method: clinical testing. Allele origin: germline.

Blueprint Genetics
Classification: Likely benign. Last evaluated: 2024-08-04. Review status: criteria provided, single submitter. Criteria: ACMG Guidelines, 2015. Collection method: clinical testing. Allele origin: germline.

Breakthrough Genomics
Classification: Benign. Review status: criteria provided, single submitter. Criteria: ACMG Guidelines, 2015. Collection method: not provided. Allele origin: germline. Inheritance: Autosomal recessive inheritance. Affected: yes.

PreventionGenetics, part of Exact Sciences
Classification: Likely benign for MICU1-related condition. Last evaluated: 2019-10-29. Review status: no assertion criteria provided. Collection method: clinical testing. Allele origin: germline. Not counted in ClinVar's aggregate classification.
Comment: This variant is classified as likely benign based on ACMG/AMP sequence variant interpretation guidelines (Richards et al. 2015 PMID: 25741868, with internal and published modifications).